The following is an entry in ClinVar:

NM_001371986.1(UNC80):c.7181A>G (p.Lys2394Arg)

Gene: UNC80 (unc-80 subunit of NALCN channel complex; plus strand). Cytogenetic location: 2q34.
Variant type: single nucleotide variant.
Coding change: c.7181A>G on transcript NM_001371986.1 (MANE Select); coding-DNA position 7181, A replaced by G.
Protein change: p.Lys2394Arg; replaces lysine 2394 with arginine.
Molecular consequence: missense variant.
Genome position (GRCh38, 1-based): chr2:209,945,181, A>G. VCF-style: chr2-209945181-A-G. GRCh37 (hg19) VCF-style: chr2-210809905-A-G.
Other names: c.6983A>G, p.Lys2328Arg (NM_032504.2); c.6968A>G, p.Lys2323Arg (NM_182587.4); c.6983A>G (NM_032504.1); short protein forms K2394R, K2323R, K2328R.
Identifiers: ClinVar variation 1369246 (VCV001369246.9), dbSNP rs2124983569, ClinGen allele CA350774142.

ClinVar aggregate classification (germline): Uncertain significance. Review status: criteria provided, multiple submitters, no conflicts (2 of 4 stars). 2 submissions from 2 submitters: Uncertain significance (2). Last evaluated 2025-08-26.

Conditions:
Inborn genetic diseases. Identifiers: MedGen C0950123, MeSH D030342.

Allele frequency attached by ClinVar (database versions not stated): gnomAD exomes below 0.00001.
gnomAD v4.1: 1 of 1,547,908 alleles (0.000065%); highest among the groups gnomAD compares: Non-Finnish European, 0.000087%; no homozygotes.

Submissions (2):

Ambry Genetics
Classification: Uncertain significance for Inborn genetic diseases. Last evaluated: 2025-08-26. Review status: criteria provided, single submitter. Criteria: Ambry Variant Classification Scheme 2023. Collection method: clinical testing. Allele origin: germline.

Labcorp Genetics (formerly Invitae), Labcorp
Classification: Uncertain significance. Last evaluated: 2024-01-19. Review status: criteria provided, single submitter. Criteria: Invitae Variant Classification Sherloc (09022015). Collection method: clinical testing. Allele origin: germline.
Comment: This sequence change replaces lysine, which is basic and polar, with arginine, which is basic and polar, at codon 2328 of the UNC80 protein (p.Lys2328Arg). This variant is not present in population databases (gnomAD no frequency). This variant has not been reported in the literature in individuals affected with UNC80-related conditions. ClinVar contains an entry for this variant (Variation ID: 1369246). Advanced modeling of protein sequence and biophysical properties (such as structural, functional, and spatial information, amino acid conservation, physicochemical variation, residue mobility, and thermodynamic stability) performed at Invitae indicates that this missense variant is not expected to disrupt UNC80 protein function with a negative predictive value of 80%. In summary, the available evidence is currently insufficient to determine the role of this variant in disease. Therefore, it has been classified as a Variant of Uncertain Significance.